The following is an entry in ClinVar:

ClinVar aggregate classification (germline): Conflicting classifications of pathogenicity. Review status: criteria provided, conflicting classifications (1 of 4 stars). 2 submissions from 2 submitters: Likely pathogenic (1); Uncertain significance (1). Last evaluated 2022-12-14.

Conditions:
Neurodevelopmental disorder with eye movement abnormalities and ataxia. Identifiers: MedGen C5774241, MONDO:0859305, OMIM 620094.

Submissions (2):

Institute of Human Genetics, University of Leipzig Medical Center
Classification: Likely pathogenic for Neurodevelopmental disorder with eye movement abnormalities and ataxia. Last evaluated: 2022-12-14. Review status: criteria provided, single submitter. Criteria: ACMG Guidelines, 2015. Collection method: clinical testing. Allele origin: de novo. Inheritance: Autosomal dominant inheritance. Affected: yes.
Comment: Criteria applied: PS3_MOD, PS2_SUP, PS4_SUP, PM1_SUP, PM2_SUP, PP3

Baylor Genetics
Classification: Uncertain significance. Last evaluated: 2022-08-19. Review status: criteria provided, single submitter. Criteria: ACMG Guidelines, 2015. Collection method: clinical testing. Allele origin: unknown. Inheritance: Autosomal dominant inheritance. Affected: yes. Observed: 1 heterozygote.

NM_032892.5(FRMD5):c.1045A>C (p.Ser349Arg)

Gene: FRMD5 (FERM domain containing 5; minus strand). Cytogenetic location: 15q15.3.
Variant type: single nucleotide variant.
Coding change: c.1045A>C on transcript NM_032892.5 (MANE Select); coding-DNA position 1045, A replaced by C.
Protein change: p.Ser349Arg; replaces serine 349 with arginine.
Molecular consequence: missense variant. On other transcripts: non-coding transcript variant (1).
Genome position (GRCh38, 1-based): chr15:43,883,793, T>G on the plus strand (A>C on the coding strand, the complement: FRMD5 is on the minus strand). VCF-style: chr15-43883793-T-G. GRCh37 (hg19) VCF-style: chr15-44175991-T-G.
Other names: c.763A>C, p.Ser255Arg (NM_001286490.2); c.343A>C, p.Ser115Arg (NM_001286491.2); c.1045A>C, p.Ser349Arg (NM_001322949.2, NM_001322950.2); c.940A>C, p.Ser314Arg (NM_001322951.2); short protein forms S115R, S255R, S314R, S349R.
Identifiers: ClinVar variation 1703013 (VCV001703013.4), dbSNP rs2140355061, ClinGen allele CA392190950.
Genomic context (GRCh38, chr15:43,883,793, plus strand): 5'-TGCGGGTCCTGGGGACGCTGCTCAGCCTTGGGCCATGGGTTATGGAGGGACAGCTCCGGC[T>G]GGGAACCATCCCTGCTCTGAGGTTAAAGAAAAAGAACCTTGTTAATTCAGTGCATGGACA-3'
Protein context (NP_116281.2, residues 339-359): PEIHRAGMVP[Ser349Arg]RSCPSITHGP